The following is an entry in ClinVar:

ClinVar aggregate classification (germline): Uncertain significance. Review status: criteria provided, multiple submitters, no conflicts (2 of 4 stars). 3 submissions from 3 submitters: Uncertain significance (3). Last evaluated 2025-06-06.

Conditions:
Inborn genetic diseases. Identifiers: MedGen C0950123, MeSH D030342.

Allele frequency attached by ClinVar (database versions not stated): gnomAD exomes below 0.00001; ExAC 0.00001; TOPMed 0.00001; gnomAD 0.00002; 1000 Genomes Project 0.00020; 1000 Genomes Project 30x 0.00031.

Submissions (3):

GeneDx
Classification: Uncertain significance. Last evaluated: 2025-06-06. Review status: criteria provided, single submitter. Criteria: GeneDx Variant Classification Process June 2021. Collection method: clinical testing. Allele origin: germline. Affected: yes.
Comment: Not observed at significant frequency in large population cohorts (gnomAD); In silico analysis suggests that this missense variant does not alter protein structure/function; Has not been previously published as pathogenic or benign to our knowledge

Ambry Genetics
Classification: Uncertain significance for Inborn genetic diseases. Last evaluated: 2025-05-19. Review status: criteria provided, single submitter. Criteria: Ambry Variant Classification Scheme 2023. Collection method: clinical testing. Allele origin: germline.
Comment: The p.I119T variant (also known as c.356T>C), located in coding exon 1 of the SAMD9L gene, results from a T to C substitution at nucleotide position 356. The isoleucine at codon 119 is replaced by threonine, an amino acid with similar properties. This amino acid position is conserved. In addition, this alteration is predicted to be tolerated by in silico analysis. Based on the available evidence, the clinical significance of this variant remains unclear.

Labcorp Genetics (formerly Invitae), Labcorp
Classification: Uncertain significance. Last evaluated: 2024-07-29. Review status: criteria provided, single submitter. Criteria: Invitae Variant Classification Sherloc (09022015). Collection method: clinical testing. Allele origin: germline.
Comment: This sequence change replaces isoleucine, which is neutral and non-polar, with threonine, which is neutral and polar, at codon 119 of the SAMD9L protein (p.Ile119Thr). This variant is present in population databases (rs199735745, gnomAD 0.01%). This variant has not been reported in the literature in individuals affected with SAMD9L-related conditions. ClinVar contains an entry for this variant (Variation ID: 1944079). An algorithm developed to predict the effect of missense changes on protein structure and function outputs the following: PolyPhen-2: "Benign". The threonine amino acid residue is found in multiple mammalian species, which suggests that this missense change does not adversely affect protein function. In summary, the available evidence is currently insufficient to determine the role of this variant in disease. Therefore, it has been classified as a Variant of Uncertain Significance.

NM_152703.5(SAMD9L):c.356T>C (p.Ile119Thr)

Gene: SAMD9L (sterile alpha motif domain containing 9 like; minus strand). Cytogenetic location: 7q21.2.
Variant type: single nucleotide variant.
Coding change: c.356T>C on transcript NM_152703.5 (MANE Select); coding-DNA position 356, T replaced by C.
Protein change: p.Ile119Thr; replaces isoleucine 119 with threonine.
Molecular consequence: missense variant.
Genome position (GRCh38, 1-based): chr7:93,135,616, A>G on the plus strand (T>C on the coding strand, the complement: SAMD9L is on the minus strand). VCF-style: chr7-93135616-A-G. GRCh37 (hg19) VCF-style: chr7-92764929-A-G.
Other names: c.356T>C (NM_152703.2, NM_152703.3); c.356T>C, p.Ile119Thr (NM_001303496.3, NM_001303497.3, NM_001303498.3 and 5 more transcripts); short protein forms I119T.
Identifiers: ClinVar variation 1944079 (VCV001944079.7), dbSNP rs199735745, ClinGen allele CA4343888.
Genomic context (GRCh38, chr7:93,135,616, plus strand): 5'-TCTTTCATAAGAATTGATTCTTCTTGTTTGATATCTCTGATCTCTCTGGGATCATAATCA[A>G]TATTAGATGACATTGAATTTTCTTCTTCCTTTTTGGTGTGTTTTGGATTTTTCTGGTGTT-3'
Protein context (NP_689916.2, residues 109-129): KEEENSMSSN[Ile119Thr]DYDPREIRDI